The following is an entry in ClinVar:

NM_005045.4(RELN):c.8950+4T>C

Genes: SLC26A5-AS1 (SLC26A5 antisense RNA 1; plus strand), RELN (reelin; minus strand). Cytogenetic location: 7q22.1.
Variant type: single nucleotide variant.
Coding change: c.8950+4T>C on transcript NM_005045.4 (MANE Select); 4 bases into the intron after coding-DNA position 8950, T replaced by C.
Molecular consequence: intron variant.
Genome position (GRCh38, 1-based): chr7:103,497,816, A>G on the plus strand (T>C on the coding strand, the complement: RELN is on the minus strand). VCF-style: chr7-103497816-A-G. GRCh37 (hg19) VCF-style: chr7-103138263-A-G.
Other names: c.8950+4T>C (NM_173054.3).
Identifiers: ClinVar variation 3752644 (VCV003752644.2).

ClinVar aggregate classification (germline): Uncertain significance (1 of 4 stars; one submission).

Conditions:
Norman-Roberts syndrome (LIS2). Also called: Lissencephaly 2 (Norman-Roberts type). Identifiers: Orphanet 89844, MedGen C0796089, MONDO:0009760, OMIM 257320.
Familial temporal lobe epilepsy 7. Identifiers: Orphanet 101046, MedGen C4225327, MONDO:0014639, OMIM 616436.

gnomAD v4.1: 2 of 1,613,518 alleles (0.00012%); highest among the groups gnomAD compares: Non-Finnish European, 0.00017%; no homozygotes.

Submission:

Labcorp Genetics (formerly Invitae), Labcorp
Classification: Uncertain significance for Familial temporal lobe epilepsy 7; Norman-Roberts syndrome. Last evaluated: 2024-04-25. Review status: criteria provided, single submitter. Criteria: Invitae Variant Classification Sherloc (09022015). Collection method: clinical testing. Allele origin: germline.
Comment: This sequence change falls in intron 55 of the RELN gene. It does not directly change the encoded amino acid sequence of the RELN protein. It affects a nucleotide within the consensus splice site. This variant is not present in population databases (gnomAD no frequency). This variant has not been reported in the literature in individuals affected with RELN-related conditions. Variants that disrupt the consensus splice site are a relatively common cause of aberrant splicing (PMID: 17576681, 9536098). Algorithms developed to predict the effect of sequence changes on RNA splicing suggest that this variant is not likely to affect RNA splicing. In summary, the available evidence is currently insufficient to determine the role of this variant in disease. Therefore, it has been classified as a Variant of Uncertain Significance.

Literature cited by the submitters: PubMed 17576681; PubMed 9536098.